The following is an entry in ClinVar:

ClinVar aggregate classification (germline): Uncertain significance. Review status: criteria provided, multiple submitters, no conflicts (2 of 4 stars). 2 submissions from 2 submitters: Uncertain significance (2). Last evaluated 2025-04-11.

Conditions:
Cardiomyopathy (CMYO). Also called: Cardiomyopathies. Identifiers: Orphanet 167848, MedGen C0878544, MONDO:0004994, HP:0001638. Inheritance: Various modes of inheritance.

Submissions (2):

GeneDx
Classification: Uncertain significance. Last evaluated: 2025-04-11. Review status: criteria provided, single submitter. Criteria: GeneDx Variant Classification Process June 2021. Collection method: clinical testing. Allele origin: germline. Affected: yes.
Comment: This variant is associated with the following publications: (PMID: 19926015)

Color Diagnostics, LLC DBA Color Health
Classification: Uncertain significance for Cardiomyopathy. Last evaluated: 2020-03-09. Review status: criteria provided, single submitter. Criteria: ACMG Guidelines, 2015. Collection method: clinical testing. Allele origin: germline.
Comment: This missense variant replaces glutamine with glutamic acid at codon 2441 of the RYR2 protein. Computational prediction suggests that this variant may not impact protein structure and function (internally defined REVEL score threshold <= 0.5, PMID: 27666373). Splice site prediction tools suggest that this variant may not impact RNA splicing. To our knowledge, functional studies have not been reported for this variant. This variant has been reported in an individual from a cohort of clinical whole-exome genetic test referrals (PMID: 28404607). This variant has not been identified in the general population by the Genome Aggregation Database (gnomAD). The available evidence is insufficient to determine the role of this variant in disease conclusively. Therefore, this variant is classified as a Variant of Uncertain Significance.

NM_001035.3(RYR2):c.7321C>G (p.Gln2441Glu)

Gene: RYR2 (ryanodine receptor 2; plus strand). Cytogenetic location: 1q43.
Variant type: single nucleotide variant.
Coding change: c.7321C>G on transcript NM_001035.3 (MANE Select); coding-DNA position 7321, C replaced by G.
Protein change: p.Gln2441Glu; replaces glutamine 2441 with glutamic acid.
Molecular consequence: missense variant.
Genome position (GRCh38, 1-based): chr1:237,643,426, C>G. VCF-style: chr1-237643426-C-G. GRCh37 (hg19) VCF-style: chr1-237806726-C-G.
Other names: c.7321C>G (NM_001035.2); short protein forms Q2441E.
Identifiers: ClinVar variation 926027 (VCV000926027.4), dbSNP rs1681782877, ClinGen allele CA345397057.